The following is an entry in ClinVar:

NM_002617.4(PEX10):c.1A>G (p.Met1Val)

Gene: PEX10 (peroxisomal biogenesis factor 10; minus strand). Cytogenetic location: 1p36.32.
Variant type: single nucleotide variant.
Coding change: c.1A>G on transcript NM_002617.4 (MANE Select); coding-DNA position 1, A replaced by G.
Protein change: p.Met1Val; changes the start codon (methionine 1).
Molecular consequence: missense variant, initiator codon variant. On other transcripts: intron variant (2).
Genome position (GRCh38, 1-based): chr1:2,412,502, T>C on the plus strand (A>G on the coding strand, the complement: PEX10 is on the minus strand). VCF-style: chr1-2412502-T-C. GRCh37 (hg19) VCF-style: chr1-2343941-T-C.
Other names: c.1A>G, p.Met1Val (NM_001374425.1, NM_153818.2); c.-321+1095A>G (NM_001374427.1, NM_001374426.1); short protein forms M1V.
Identifiers: ClinVar variation 280002 (VCV000280002.17), dbSNP rs886041314, ClinGen allele CA10602763.

ClinVar aggregate classification (germline): Pathogenic/Likely pathogenic. Review status: criteria provided, multiple submitters, no conflicts (2 of 4 stars). 9 submissions from 9 submitters: Pathogenic (6); Likely pathogenic (2). 1 of the submissions does not count toward it. Last evaluated 2026-09-17.

Conditions:
Zellweger spectrum disorders (ZS). Also called: Zellweger Spectrum Disorder (ZSD); Zellweger Spectrum Disorder; Zellweger Spectrum; Zellweger syndrome. Identifiers: Orphanet 912, MedGen C0043459, MONDO:0019609.
PEX10-related disorder. Also called: PEX10-related condition.
Peroxisome biogenesis disorder 6A (Zellweger). Also called: Peroxisome biogenesis disorder 6A. Identifiers: Orphanet 912, MedGen C3553947, MONDO:0013936, OMIM 614870.
Peroxisome biogenesis disorder 6B (PBD6B). Identifiers: Orphanet 44, MedGen C3553948, MONDO:0013937, OMIM 614871.
Peroxisome biogenesis disorder, complementation group 7 (CG7). Also called: Peroxisome biogenesis disorder, complementation group B. Identifiers: MedGen C1864399.

Allele frequency attached by ClinVar (database versions not stated): gnomAD 0.00002 and 0.00003; TOPMed 0.00002.

Submissions (9):

PreventionGenetics, part of Exact Sciences
Classification: Pathogenic for PEX10-related condition. Last evaluated: 2026-09-17. Review status: criteria provided, single submitter. Criteria: ACMG Guidelines, 2015. Collection method: clinical testing. Allele origin: germline.
Comment: The PEX10 c.1A>G variant is predicted to disrupt the translation initiation site (Start loss). This variant was reported in the homozygous and compound heterozygous states in individuals with PEX10 related disorder (Berendse et al. 2014. PubMed ID: 25179809; Yalcouyé et al. 2025. PubMed ID: 40320863). Alternate nucleotide substitutions (c.2T>C, c.3G>A) resulting in loss of the translational start site have also been reported as pathogenic (Ebberink et al. 2011. PubMed ID: 21031596; Régal et al. 2010. PubMed ID: 20695019). To our knowledge, this variant has not been reported in the literature or in a large population database (gnomAD), indicating this variant is rare. This variant is interpreted as pathogenic.

Natera, Inc.
Classification: Pathogenic for Zellweger syndrome. Last evaluated: 2025-06-24. Review status: criteria provided, single submitter. Criteria: Natera Variant Classification Schema (03/2026). Collection method: clinical testing. Allele origin: germline.
Comment: The c.1A>G variant in PEX10 is predicted to result in start loss due to disruption of the initiator methionine. This variant is expected to result in nonsense mediated decay, truncation, or a dysfunctional protein product. This variant is rare in the general population with a frequency below the threshold expected for the associated phenotype(s). This variant has been observed in one or more individuals affected with the associated recessive disease, as either homozygous or compound heterozygous with a second variant (PMID: 27469511, 35038753). Given the available evidence, this variant is classified as Pathogenic.

Labcorp Genetics (formerly Invitae), Labcorp
Classification: Pathogenic for Peroxisome biogenesis disorder, complementation group 7. Last evaluated: 2025-05-19. Review status: criteria provided, single submitter. Criteria: Invitae Variant Classification Sherloc (09022015). Collection method: clinical testing. Allele origin: germline.
Comment: This sequence change affects the initiator codon of the PEX10 mRNA. This change may impact translation initiation or efficiency. The next in-frame methionine is located at codon 145. This variant is not present in population databases (gnomAD no frequency). Disruption of the initiator codon has been observed in individual(s) with clinical features of Zellweger spectrum disorder (PMID: 25179809, 28320181). In at least one individual the data is consistent with being in trans (on the opposite chromosome) from a pathogenic variant. It has also been observed to segregate with disease in related individuals. ClinVar contains an entry for this variant (Variation ID: 280002). For these reasons, this variant has been classified as Pathogenic.

Fulgent Genetics
Classification: Pathogenic for Peroxisome biogenesis disorder 6A (Zellweger); Peroxisome biogenesis disorder 6B. Last evaluated: 2024-05-14. Review status: criteria provided, single submitter. Criteria: ACMG Guidelines, 2015. Collection method: clinical testing. Allele origin: germline.

Blueprint Genetics
Classification: Likely pathogenic for PEX10-related disorders. Last evaluated: 2024-02-28. Review status: criteria provided, single submitter. Criteria: ACMG Guidelines, 2015. Collection method: clinical testing. Allele origin: germline. Affected: yes. Observed: 5 variant alleles.

Laboratory of Medical Genetics, National & Kapodistrian University of Athens
Classification: Pathogenic for Peroxisome biogenesis disorder 6A (Zellweger). Last evaluated: 2024-02-01. Review status: criteria provided, single submitter. Criteria: ACMG Guidelines, 2015. Collection method: curation. Allele origin: germline. Affected: no.

GeneDx
Classification: Pathogenic. Last evaluated: 2023-12-19. Review status: criteria provided, single submitter. Criteria: GeneDx Variant Classification Process June 2021. Collection method: clinical testing. Allele origin: germline. Affected: yes.
Comment: Initiation codon variant in a gene for which loss of function is a known mechanism of disease; Not observed at significant frequency in large population cohorts (gnomAD); This variant is associated with the following publications: (PMID: 35038753, 37994247, 28857144, 25179809)

Juno Genomics, Hangzhou Juno Genomics, Inc
Classification: Likely pathogenic for Peroxisome biogenesis disorder 6A (Zellweger); Peroxisome biogenesis disorder 6B. Review status: criteria provided, single submitter. Criteria: ACMG Guidelines, 2015. Collection method: clinical testing. Allele origin: germline.
Comment: Absent from controls (or at extremely low frequency if recessive) in Genome Aggregation Database.;For recessive disorders, detected in trans with a pathogenic variant.;Patient's phenotype or family history is highly specific for a disease with a single genetic etiology.;Null variant in a gene where loss of function (LOF) is a known mechanism of disease.

Counsyl
Classification: Likely pathogenic for Peroxisome biogenesis disorder 6A (Zellweger); Peroxisome biogenesis disorder 6B. Last evaluated: 2017-04-12. Review status: no assertion criteria provided. Collection method: clinical testing. Allele origin: unknown. Not counted in ClinVar's aggregate classification.

Literature cited by the submitters: PubMed 27469511 (cited by Natera, Inc.); PubMed 35038753 (cited by Natera, Inc.); PubMed 25179809 (cited by Labcorp Genetics (formerly Invitae), Labcorp and Counsyl); PubMed 28320181 (cited by Labcorp Genetics (formerly Invitae), Labcorp).